The following is an entry in ClinVar:

ClinVar aggregate classification (germline): Conflicting classifications of pathogenicity. Review status: criteria provided, conflicting classifications (1 of 4 stars). 5 submissions from 5 submitters: Uncertain significance (4); Likely benign (1). Last evaluated 2024-11-15.

Conditions:
Brain small vessel disease 1 with or without ocular anomalies (BSVD1). Also called: PORENCEPHALY, TYPE 1, AUTOSOMAL DOMINANT; BRAIN SMALL VESSEL DISEASE WITH HEMORRHAGE; GOULD SYNDROME 1; Brain small vessel disease with or without ocular anomalies. Identifiers: Orphanet 2940, Orphanet 36383, Orphanet 99810, MedGen C4755307, MONDO:0008289, OMIM 175780.
Retinal arterial tortuosity. Also called: RETINAL HEMORRHAGE WITH VASCULAR TORTUOSITY; Retinal arteries, tortuosity of. Identifiers: Orphanet 75326, MedGen C0423401, MONDO:0008373, OMIM 180000, HP:0000631.
Microangiopathy and leukoencephalopathy, pontine, autosomal dominant. Also called: Pontine autosomal dominant microangiopathy with leukoencephalopathy; DEMENTIA, HEREDITARY MULTI-INFARCT, SWEDISH TYPE. Identifiers: Orphanet 477749, MedGen C5231411, MONDO:0032814, OMIM 618564.
Autosomal dominant familial hematuria-retinal arteriolar tortuosity-contractures syndrome. Also called: Angiopathy, hereditary, with nephropathy, aneurysms, and muscle cramps; Hereditary Angiopathy with Nephropathy, Aneurysms, and Muscle Cramps (HANAC) Syndrome. Identifiers: Orphanet 73229, MedGen C2673195, MONDO:0012726, OMIM 611773.
Hemorrhage, intracerebral, susceptibility to (ICH). Also called: Stroke, hemorrhagic, susceptibility to. Identifiers: MedGen C3281105, MONDO:0100533, OMIM 614519.
Inborn genetic diseases. Identifiers: MedGen C0950123, MeSH D030342.

Allele frequency attached by ClinVar (database versions not stated): gnomAD 0.00001.
gnomAD v4.1: 49 of 1,612,624 alleles (0.003%); highest among the groups gnomAD compares: Admixed American, 0.01%; no homozygotes.

Submissions (5):

GeneDx
Classification: Uncertain significance. Last evaluated: 2024-11-15. Review status: criteria provided, single submitter. Criteria: GeneDx Variant Classification Process June 2021. Collection method: clinical testing. Allele origin: germline. Affected: yes.
Comment: Observed in one patient from a cohort of patients undergoing surgery for proximal aortic aneurysms (PMID: 35830949); Occurs in the triple helical domain at the X position in the canonical Gly-X-Y repeat; although this variant may have an effect on normal protein folding and function, missense substitution at the X position is not a common mechanism of disease; In silico analysis supports that this missense variant has a deleterious effect on protein structure/function; This variant is associated with the following publications: (PMID: 35830949)

Revvity Omics, Revvity
Classification: Uncertain significance. Last evaluated: 2024-08-23. Review status: criteria provided, single submitter. Criteria: ACMG Guidelines, 2015. Collection method: clinical testing. Allele origin: germline.

Labcorp Genetics (formerly Invitae), Labcorp
Classification: Uncertain significance. Last evaluated: 2024-05-17. Review status: criteria provided, single submitter. Criteria: Invitae Variant Classification Sherloc (09022015). Collection method: clinical testing. Allele origin: germline.
Comment: This sequence change replaces proline, which is neutral and non-polar, with serine, which is neutral and polar, at codon 694 of the COL4A1 protein (p.Pro694Ser). This variant is present in population databases (rs760462654, gnomAD 0.02%). This variant has not been reported in the literature in individuals affected with COL4A1-related conditions. ClinVar contains an entry for this variant (Variation ID: 1326219). An algorithm developed to predict the effect of missense changes on protein structure and function (PolyPhen-2) suggests that this variant is likely to be tolerated. In summary, the available evidence is currently insufficient to determine the role of this variant in disease. Therefore, it has been classified as a Variant of Uncertain Significance.

Fulgent Genetics
Classification: Uncertain significance for Brain small vessel disease 1 with or without ocular anomalies; Retinal arterial tortuosity; Autosomal dominant familial hematuria-retinal arteriolar tortuosity-contractures syndrome; Hemorrhage, intracerebral, susceptibility to; Microangiopathy and leukoencephalopathy, pontine, autosomal dominant. Last evaluated: 2021-11-28. Review status: criteria provided, single submitter. Criteria: ACMG Guidelines, 2015. Collection method: clinical testing. Allele origin: unknown.

Ambry Genetics
Classification: Likely benign for Inborn genetic diseases. Last evaluated: 2021-04-28. Review status: criteria provided, single submitter. Criteria: Ambry Variant Classification Scheme 2023. Collection method: clinical testing. Allele origin: germline.

NM_001845.6(COL4A1):c.2080C>T (p.Pro694Ser)

Gene: COL4A1 (collagen type IV alpha 1 chain; minus strand). Cytogenetic location: 13q34.
Variant type: single nucleotide variant.
Coding change: c.2080C>T on transcript NM_001845.6 (MANE Select); coding-DNA position 2080, C replaced by T.
Protein change: p.Pro694Ser; replaces proline 694 with serine.
Molecular consequence: missense variant.
Genome position (GRCh38, 1-based): chr13:110,183,008, G>A on the plus strand (C>T on the coding strand, the complement: COL4A1 is on the minus strand). VCF-style: chr13-110183008-G-A. GRCh37 (hg19) VCF-style: chr13-110835355-G-A.
Other names: short protein forms P694S.
Identifiers: ClinVar variation 1326219 (VCV001326219.14), dbSNP rs760462654, ClinGen allele CA7047729.